The following is an entry in ClinVar:

ClinVar aggregate classification (germline): Uncertain significance (1 of 4 stars; one submission).

Conditions:
NTRK3-related disorder. Also called: NTRK3-related condition.

Submission:

PreventionGenetics, part of Exact Sciences
Classification: Uncertain significance for NTRK3-related condition. Last evaluated: 2026-01-12. Review status: criteria provided, single submitter. Criteria: ACMG Guidelines, 2015. Collection method: clinical testing. Allele origin: germline.
Comment: The NTRK3 c.1837delC variant is predicted to result in a frameshift and premature protein termination (p.Leu613Serfs*8). To our knowledge, this variant has not been reported in the literature or in a large population database (gnomAD), indicating this variant is rare. At this time, the clinical significance of this variant is uncertain due to the absence of conclusive functional and genetic evidence.

NM_001012338.3(NTRK3):c.1837del (p.Leu613fs)

Gene: NTRK3 (neurotrophic receptor tyrosine kinase 3; minus strand). Cytogenetic location: 15q25.3.
Variant type: Deletion.
Coding change: c.1837del on transcript NM_001012338.3 (MANE Select); coding-DNA position 1837, one base deleted (C; older notation c.1837delC).
Protein change: p.Leu613fs; shifts the reading frame from leucine 613.
Molecular consequence: frameshift variant.
Genome position (GRCh38, 1-based): chr15:87,933,064, G deleted on the plus strand (C on the coding strand, the reverse complement: NTRK3 is on the minus strand); the first of 5 consecutive G bases (chr15:87,933,064-87,933,068); deleting any one gives the same sequence. VCF-style (leftmost placement, unchanged base first): chr15-87933063-AG-A. GRCh37 (hg19) VCF-style: chr15-88476294-AG-A.
Other names: c.1813del, p.Leu605fs (NM_001243101.2, NM_001375812.1); c.1543del, p.Leu515fs (NM_001320135.2); c.1837del, p.Leu613fs (NM_001375810.1, NM_001375811.1, NM_002530.4); short protein forms L515fs, L605fs, L613fs.
Identifiers: ClinVar variation 4997789 (VCV004997789.1).